The following is an entry in ClinVar:

ClinVar aggregate classification (germline): Uncertain significance. Review status: criteria provided, multiple submitters, no conflicts (2 of 4 stars). 2 submissions from 2 submitters: Uncertain significance (2). Last evaluated 2023-04-25.

Conditions:
Progressive sclerosing poliodystrophy (MTDPS4A). Also called: Mitochondrial DNA Depletion Syndrome 4A; Alpers-Huttenlocher Syndrome (AHS); ALPERS PROGRESSIVE INFANTILE POLIODYSTROPHY; NEURONAL DEGENERATION OF CHILDHOOD WITH LIVER DISEASE, PROGRESSIVE; Alpers Syndrome; ALPERS DIFFUSE DEGENERATION OF CEREBRAL GRAY MATTER WITH HEPATIC CIRRHOSIS. Identifiers: Orphanet 726, MedGen C0205710, MONDO:0008758, OMIM 203700.

Allele frequency attached by ClinVar (database versions not stated): TOPMed below 0.00001.

Submissions (2):

Women's Health and Genetics/Laboratory Corporation of America, LabCorp
Classification: Uncertain significance. Last evaluated: 2023-04-25. Review status: criteria provided, single submitter. Criteria: LabCorp Variant Classification Summary - May 2015. Collection method: clinical testing. Allele origin: germline.
Comment: Variant summary: POLG c.394G>A (p.Gly132Arg) results in a non-conservative amino acid change located in the DNA mitochondrial polymerase, exonuclease domain (IPR041336) of the encoded protein sequence. Five of five in-silico tools predict a damaging effect of the variant on protein function. The variant was absent in 181886 control chromosomes. The available data on variant occurrences in the general population are insufficient to allow any conclusion about variant significance. The variant c.394G>C also resulting in (p.Gly132Arg) has been reported in the literature in a heterozygous individual in the context of POLG related conditions (Deepha_2021). To our knowledge, no experimental evidence demonstrating an impact on protein function has been reported. The following publications have been ascertained in the context of this evaluation (PMID: 33469851). No clinical diagnostic laboratories have submitted clinical-significance assessments for this variant to ClinVar after 2014. Based on the evidence outlined above, the variant was classified as uncertain significance.

Labcorp Genetics (formerly Invitae), Labcorp
Classification: Uncertain significance for Progressive sclerosing poliodystrophy. Last evaluated: 2021-12-18. Review status: criteria provided, single submitter. Criteria: Invitae Variant Classification Sherloc (09022015). Collection method: clinical testing. Allele origin: germline.
Comment: In summary, the available evidence is currently insufficient to determine the role of this variant in disease. Therefore, it has been classified as a Variant of Uncertain Significance. This sequence change replaces glycine, which is neutral and non-polar, with arginine, which is basic and polar, at codon 132 of the POLG protein (p.Gly132Arg). This variant is not present in population databases (gnomAD no frequency). This missense change has been observed in individual(s) with autosomal dominant POLG-related disease (PMID: 33469851). Algorithms developed to predict the effect of missense changes on protein structure and function are either unavailable or do not agree on the potential impact of this missense change (SIFT: "Deleterious"; PolyPhen-2: "Probably Damaging"; Align-GVGD: "Class C0"). Algorithms developed to predict the effect of sequence changes on RNA splicing suggest that this variant may create or strengthen a splice site.

Literature cited by the submitters: PubMed 33469851 (cited by Women's Health and Genetics/Laboratory Corporation of America, LabCorp and Labcorp Genetics (formerly Invitae), Labcorp).

NM_002693.3(POLG):c.394G>A (p.Gly132Arg)

Genes: POLGARF (POLG alternative reading frame; minus strand), POLG (DNA polymerase gamma, catalytic subunit; minus strand). Cytogenetic location: 15q26.1.
Variant type: single nucleotide variant.
Coding change: c.394G>A on transcript NM_002693.3 (MANE Select); coding-DNA position 394, G replaced by A.
Protein change: p.Gly132Arg; replaces glycine 132 with arginine.
Molecular consequence: missense variant.
Genome position (GRCh38, 1-based): chr15:89,333,361, C>T on the plus strand (G>A on the coding strand, the complement: POLG is on the minus strand). VCF-style: chr15-89333361-C-T. GRCh37 (hg19) VCF-style: chr15-89876592-C-T.
Other names: c.394G>A, p.Gly132Arg (NM_001126131.2); short protein forms G132R.
Identifiers: ClinVar variation 2046356 (VCV002046356.5), dbSNP rs758615496, ClinGen allele CA393772065.
Genomic context (GRCh38, chr15:89,333,361, plus strand): 5'-CCAGGTAGGGCAGGCTCTGCTTCTGGGCCAGGAGGCGGAAGTGCTGGTCCAGGTTGTCCC[C>T]GTAGAGGGGCGGCAGGCGCAGCTCCACGTCGGGCAAGGGCACGGCTGGCTGCCCCCAGAG-3'
Protein context (NP_002684.1, residues 122-142): DVELRLPPLY[Gly132Arg]DNLDQHFRLL